The following is an entry in ClinVar:

ClinVar aggregate classification (germline): Uncertain significance (1 of 4 stars; one submission).

gnomAD v4.1: 1 of 1,201,890 alleles (0.000083%); highest among the groups gnomAD compares: Non-Finnish European, 0.00011%; no homozygotes.

Submission:

Labcorp Genetics (formerly Invitae), Labcorp
Classification: Uncertain significance. Last evaluated: 2024-05-06. Review status: criteria provided, single submitter. Criteria: Invitae Variant Classification Sherloc (09022015). Collection method: clinical testing. Allele origin: germline.
Comment: This sequence change replaces isoleucine, which is neutral and non-polar, with valine, which is neutral and non-polar, at codon 729 of the STAG2 protein (p.Ile729Val). This variant is not present in population databases (gnomAD no frequency). This variant has not been reported in the literature in individuals affected with STAG2-related conditions. An algorithm developed to predict the effect of missense changes on protein structure and function (PolyPhen-2) suggests that this variant is likely to be tolerated. In summary, the available evidence is currently insufficient to determine the role of this variant in disease. Therefore, it has been classified as a Variant of Uncertain Significance.

NM_001042750.2(STAG2):c.2185A>G (p.Ile729Val)

Gene: STAG2 (STAG2 cohesin complex component; plus strand). Cytogenetic location: Xq25.
Variant type: single nucleotide variant.
Coding change: c.2185A>G on transcript NM_001042750.2 (MANE Select); coding-DNA position 2185, A replaced by G.
Protein change: p.Ile729Val; replaces isoleucine 729 with valine.
Molecular consequence: missense variant.
Genome position (GRCh38, 1-based): chrX:124,066,356, A>G. VCF-style: chrX-124066356-A-G. GRCh37 (hg19) VCF-style: chrX-123200206-A-G.
Other names: c.2185A>G, p.Ile729Val (NM_001042749.2, NM_001042751.2, NM_001282418.2 and 13 more transcripts); short protein forms I729V.
Identifiers: ClinVar variation 3608079 (VCV003608079.2).
Genomic context (GRCh38, chrX:124,066,356, plus strand): 5'-TTGAAAAGTGAAGTCTTGTGACTTTTAAATTTTAACTGTATCCTTTGATTCTTTTTACAG[A>G]TTGTTATTCACGCACTGCAGTGTACTCACTATGTAATCCTTTGGCAACTTGCTAAGATAA-3'
Protein context (NP_001036215.1, residues 719-739): GIENGDMPEQ[Ile729Val]VIHALQCTHY